The following is an entry in ClinVar:

ClinVar aggregate classification (germline): Likely benign (1 of 4 stars; one submission).

Submission:

GeneDx
Classification: Likely benign. Last evaluated: 2018-06-14. Review status: criteria provided, single submitter. Criteria: GeneDx Variant Classification (06012015). Collection method: clinical testing. Allele origin: germline. Affected: yes.
Comment: This variant is considered likely benign or benign based on one or more of the following criteria: it is a conservative change, it occurs at a poorly conserved position in the protein, it is predicted to be benign by multiple in silico algorithms, and/or has population frequency not consistent with disease.

NM_000069.3(CACNA1S):c.3610-167A>C

Gene: CACNA1S (calcium voltage-gated channel subunit alpha1 S; minus strand). Cytogenetic location: 1q32.1.
Variant type: single nucleotide variant.
Coding change: c.3610-167A>C on transcript NM_000069.3 (MANE Select); 167 bases into the intron before coding-DNA position 3610, A replaced by C.
Molecular consequence: intron variant.
Genome position (GRCh38, 1-based): chr1:201,054,728, T>G on the plus strand (A>C on the coding strand, the complement: CACNA1S is on the minus strand). VCF-style: chr1-201054728-T-G. GRCh37 (hg19) VCF-style: chr1-201023856-T-G.
Identifiers: ClinVar variation 680271 (VCV000680271.1), dbSNP rs988057279, ClinGen allele CA36003376.